The following is an entry in ClinVar:

ClinVar aggregate classification (germline): Uncertain significance (1 of 4 stars; one submission).

Conditions:
Inborn genetic diseases. Identifiers: MedGen C0950123, MeSH D030342.

Submission:

Ambry Genetics
Classification: Uncertain significance for Inborn genetic diseases. Last evaluated: 2026-04-27. Review status: criteria provided, single submitter. Criteria: Ambry Variant Classification Scheme 2023. Collection method: clinical testing. Allele origin: germline.
Comment: The p.D696E variant (also known as c.2088T>A), located in coding exon 18 of the KDM1A gene, results from a T to A substitution at nucleotide position 2088. The aspartic acid at codon 696 is replaced by glutamic acid, an amino acid with highly similar properties. This amino acid position is conserved. In addition, the in silico prediction for this alteration is inconclusive. Based on the available evidence, the clinical significance of this variant remains unclear.

NM_001009999.3(KDM1A):c.2088T>A (p.Asp696Glu)

Gene: KDM1A (lysine demethylase 1A; plus strand). Cytogenetic location: 1p36.12.
Variant type: single nucleotide variant.
Coding change: c.2088T>A on transcript NM_001009999.3 (MANE Select); coding-DNA position 2088, T replaced by A.
Protein change: p.Asp696Glu; replaces aspartic acid 696 with glutamic acid.
Molecular consequence: missense variant.
Genome position (GRCh38, 1-based): chr1:23,079,585, T>A. VCF-style: chr1-23079585-T-A. GRCh37 (hg19) VCF-style: chr1-23406078-T-A.
Other names: c.2034T>A, p.Asp678Glu (NM_001363654.2); c.2094T>A, p.Asp698Glu (NM_001410762.1); c.2016T>A, p.Asp672Glu (NM_001410763.1, NM_015013.4); short protein forms D672E, D678E, D696E, D698E.
Identifiers: ClinVar variation 4858725 (VCV004858725.1).